The following is an entry in ClinVar:

ClinVar aggregate classification (germline): Uncertain significance (1 of 4 stars; one submission).

Allele frequency attached by ClinVar (database versions not stated): gnomAD exomes 0.00001; TOPMed 0.00003; ExAC 0.00007.
gnomAD v4.1: 15 of 1,590,998 alleles (0.00094%); highest among the groups gnomAD compares: Admixed American, 0.019%; no homozygotes.

Submission:

Labcorp Genetics (formerly Invitae), Labcorp
Classification: Uncertain significance. Last evaluated: 2022-11-08. Review status: criteria provided, single submitter. Criteria: Invitae Variant Classification Sherloc (09022015). Collection method: clinical testing. Allele origin: germline.
Comment: Advanced modeling of protein sequence and biophysical properties (such as structural, functional, and spatial information, amino acid conservation, physicochemical variation, residue mobility, and thermodynamic stability) performed at Invitae indicates that this missense variant is expected to disrupt APC2 protein function. In summary, the available evidence is currently insufficient to determine the role of this variant in disease. Therefore, it has been classified as a Variant of Uncertain Significance. This variant has not been reported in the literature in individuals affected with APC2-related conditions. The frequency data for this variant in the population databases is considered unreliable, as metrics indicate poor data quality at this position in the gnomAD database. This sequence change replaces threonine, which is neutral and polar, with methionine, which is neutral and non-polar, at codon 1707 of the APC2 protein (p.Thr1707Met).

NM_005883.3(APC2):c.5120C>T (p.Thr1707Met)

Gene: APC2 (APC regulator of Wnt signaling pathway 2; plus strand). Cytogenetic location: 19p13.3.
Variant type: single nucleotide variant.
Coding change: c.5120C>T on transcript NM_005883.3 (MANE Select); coding-DNA position 5120, C replaced by T.
Protein change: p.Thr1707Met; replaces threonine 1707 with methionine.
Molecular consequence: missense variant.
Genome position (GRCh38, 1-based): chr19:1,468,421, C>T. VCF-style: chr19-1468421-C-T. GRCh37 (hg19) VCF-style: chr19-1468420-C-T.
Other names: c.5117C>T, p.Thr1706Met (NM_001351273.1); short protein forms T1707M, T1706M.
Identifiers: ClinVar variation 2178330 (VCV002178330.4), dbSNP rs745686477, ClinGen allele CA9045961.